The following is an entry in ClinVar:

ClinVar aggregate classification (germline): Uncertain significance. Review status: criteria provided, multiple submitters, no conflicts (2 of 4 stars). 3 submissions from 3 submitters: Uncertain significance (3). Last evaluated 2025-12-08.

Conditions:
Inborn genetic diseases. Identifiers: MedGen C0950123, MeSH D030342.
Nephronophthisis. Also called: Juvenile Nephronophthisis. Identifiers: Orphanet 655, MedGen C0687120, MONDO:0019005, HP:0000090.
Joubert syndrome with renal defect. Also called: JOUBERT SYNDROME 4. Identifiers: Orphanet 220497, MedGen C1846790, MONDO:0012308, OMIM 609583.
Nephronophthisis 1 (NPHP1). Also called: Nephronophthisis familial juvenile. Identifiers: Orphanet 655, Orphanet 93592, MedGen C1855681, MONDO:0009728, OMIM 256100.
Senior-Loken syndrome 1 (SLSN1). Also called: JUVENILE NEPHRONOPHTHISIS WITH LEBER AMAUROSIS. Identifiers: Orphanet 3156, MedGen C4551559, MONDO:0009962, OMIM 266900.

Allele frequency attached by ClinVar (database versions not stated): gnomAD 0.00001.
gnomAD v4.1: 2 of 1,385,324 alleles (0.00014%); highest among the groups gnomAD compares: Non-Finnish European, 0.0001%; no homozygotes.

Submissions (3):

Ambry Genetics
Classification: Uncertain significance for Inborn genetic diseases. Last evaluated: 2025-12-08. Review status: criteria provided, single submitter. Criteria: Ambry Variant Classification Scheme 2023. Collection method: clinical testing. Allele origin: germline.

Fulgent Genetics
Classification: Uncertain significance for Nephronophthisis 1; Senior-Loken syndrome 1; Joubert syndrome with renal defect. Last evaluated: 2024-06-12. Review status: criteria provided, single submitter. Criteria: ACMG Guidelines, 2015. Collection method: clinical testing. Allele origin: germline.

Labcorp Genetics (formerly Invitae), Labcorp
Classification: Uncertain significance for Nephronophthisis. Last evaluated: 2022-09-19. Review status: criteria provided, single submitter. Criteria: Invitae Variant Classification Sherloc (09022015). Collection method: clinical testing. Allele origin: germline.
Comment: In summary, the available evidence is currently insufficient to determine the role of this variant in disease. Therefore, it has been classified as a Variant of Uncertain Significance. Advanced modeling of protein sequence and biophysical properties (such as structural, functional, and spatial information, amino acid conservation, physicochemical variation, residue mobility, and thermodynamic stability) performed at Invitae indicates that this missense variant is not expected to disrupt NPHP1 protein function. ClinVar contains an entry for this variant (Variation ID: 957142). This variant has not been reported in the literature in individuals affected with NPHP1-related conditions. This variant is present in population databases (no rsID available, gnomAD 0.007%). This sequence change replaces asparagine, which is neutral and polar, with histidine, which is basic and polar, at codon 59 of the NPHP1 protein (p.Asn59His).

NM_001128178.3(NPHP1):c.175A>C (p.Asn59His)

Gene: NPHP1 (nephrocystin 1; minus strand). Cytogenetic location: 2q13.
Variant type: single nucleotide variant.
Coding change: c.175A>C on transcript NM_001128178.3 (MANE Select); coding-DNA position 175, A replaced by C.
Protein change: p.Asn59His; replaces asparagine 59 with histidine.
Molecular consequence: missense variant. On other transcripts: intron variant (1).
Genome position (GRCh38, 1-based): chr2:110,179,653, T>G on the plus strand (A>C on the coding strand, the complement: NPHP1 is on the minus strand). VCF-style: chr2-110179653-T-G. GRCh37 (hg19) VCF-style: chr2-110937230-T-G.
Other names: c.175A>C (NM_000272.4); c.175A>C, p.Asn59His (NM_000272.5, NM_001374256.1, NM_001374257.1 and 1 more transcripts); c.144-9655A>C (NM_001128179.3); short protein forms N59H.
Identifiers: ClinVar variation 957142 (VCV000957142.9), dbSNP rs1215401547, ClinGen allele CA348093673.